The following is an entry in ClinVar:

NM_004006.3(DMD):c.4334A>G (p.Asp1445Gly)

Gene: DMD (dystrophin; minus strand). Cytogenetic location: Xp21.1.
Variant type: single nucleotide variant.
Coding change: c.4334A>G on transcript NM_004006.3 (MANE Select); coding-DNA position 4334, A replaced by G.
Protein change: p.Asp1445Gly; replaces aspartic acid 1445 with glycine.
Molecular consequence: missense variant.
Genome position (GRCh38, 1-based): chrX:32,390,081, T>C on the plus strand (A>G on the coding strand, the complement: DMD is on the minus strand). VCF-style: chrX-32390081-T-C. GRCh37 (hg19) VCF-style: chrX-32408198-T-C.
Other names: c.4310A>G, p.Asp1437Gly (NM_000109.4); c.4322A>G, p.Asp1441Gly (NM_004009.3); c.3965A>G, p.Asp1322Gly (NM_004010.3); c.311A>G, p.Asp104Gly (NM_004011.4); c.302A>G, p.Asp101Gly (NM_004012.4); short protein forms D101G, D1437G, D1441G, D1445G, D104G, D1322G.
Identifiers: ClinVar variation 2910961 (VCV002910961.3), dbSNP rs2523131957, ClinGen allele CA412663907.
Genomic context (GRCh38, chrX:32,390,081, plus strand): 5'-GTATAATGCCCAACGAAAACACGTTCCTTAGTTTCTGAAATAACATATACCTGTGCAACA[T>C]CAATCTGAGACAGGACTCTTTGGGCAGCCTCCTTCCCCTGATTATGTTTCTTCATTTCTT-3'
Protein context (NP_003997.2, residues 1435-1455): EAAQRVLSQI[Asp1445Gly]VAQKKLQDVS

ClinVar aggregate classification (germline): Uncertain significance (1 of 4 stars; one submission).

Conditions:
Duchenne muscular dystrophy (DMD). Also called: MUSCULAR DYSTROPHY, PSEUDOHYPERTROPHIC PROGRESSIVE, DUCHENNE TYPE; Duchenne Muscular Dystrophy (DMD). Identifiers: Orphanet 98896, MedGen C0013264, MONDO:0010679, OMIM 310200.

Allele frequency attached by ClinVar (database versions not stated): gnomAD exomes below 0.00001.
gnomAD v4.1: 2 of 1,205,438 alleles (0.00017%); highest among the groups gnomAD compares: Non-Finnish European, 0.00022%; no homozygotes.

Submission:

Labcorp Genetics (formerly Invitae), Labcorp
Classification: Uncertain significance for Duchenne muscular dystrophy. Last evaluated: 2024-03-27. Review status: criteria provided, single submitter. Criteria: Invitae Variant Classification Sherloc (09022015). Collection method: clinical testing. Allele origin: germline.
Comment: This sequence change replaces aspartic acid, which is acidic and polar, with glycine, which is neutral and non-polar, at codon 1445 of the DMD protein (p.Asp1445Gly). This variant is not present in population databases (gnomAD no frequency). This variant has not been reported in the literature in individuals affected with DMD-related conditions. Advanced modeling of protein sequence and biophysical properties (such as structural, functional, and spatial information, amino acid conservation, physicochemical variation, residue mobility, and thermodynamic stability) performed at Invitae indicates that this missense variant is not expected to disrupt DMD protein function with a negative predictive value of 95%. In summary, the available evidence is currently insufficient to determine the role of this variant in disease. Therefore, it has been classified as a Variant of Uncertain Significance.